The following is an entry in ClinVar:

ClinVar aggregate classification (germline): Conflicting classifications of pathogenicity. Review status: criteria provided, conflicting classifications (1 of 4 stars). 4 submissions from 4 submitters: Pathogenic (1); Likely pathogenic (2); Uncertain significance (1). Last evaluated 2026-03-02.

Conditions:
Wilson disease (WND). Also called: Wilson's disease. Identifiers: Orphanet 905, MedGen C0019202, MONDO:0010200, OMIM 277900. Disease mechanism: loss of function.

Submissions (4):

Myriad Genetics, Inc.
Classification: Likely pathogenic for Wilson disease. Last evaluated: 2026-03-02. Review status: criteria provided, single submitter. Criteria: Myriad Autosomal Dominant, Autosomal Recessive and X-Linked Classification Criteria (2023). Collection method: clinical testing. Allele origin: unknown.
Comment: NM_000053.3(ATP7B):c.51+2T>G is a variant in a canonical splice site classified as likely pathogenic in the context of Wilson disease. c.51+2T>G has been observed in cases with relevant disease (PMID: 34381801, 35470480, 30655162, 35220961). Relevant functional assessments of this variant are not available in the literature. c.51+2T>G has not been observed in referenced population frequency databases. In summary, NM_000053.3(ATP7B):c.51+2T>G is a variant in a canonical splice site in a gene where loss of function is a known mechanism of disease, is predicted to disrupt protein function, and has been observed more frequently in cases with the relevant disease than in healthy populations. Please note: this variant was assessed in the context of healthy population screening.

Chongqing Key Laboratory of Child Rare Diseases in Infection and Immunity, Children’s Hospital of Chongqing Medical University
Classification: Uncertain significance for Wilson disease. Last evaluated: 2024-01-01. Review status: criteria provided, single submitter. Criteria: ACMG Guidelines, 2015. Collection method: clinical testing. Allele origin: germline. Inheritance: Autosomal recessive inheritance. Affected: yes.
Comment: Classified as Uncertain significance according to the ACMG/AMP 2015 guidelines (PMID:25741868). The classification was based on the available submitted evidence for Wilson disease (OMIM:277900), including clinical-testing observations, variant consequence/protein annotation, and published or ClinVar evidence where available. Supporting information considered: variant annotation: Splicing; submitted notation: NM_000053.4:c.51+2T>G; source variant type: Splicing; source domain: NA; allele count n=230: 1.

Baylor Genetics
Classification: Pathogenic for Wilson disease. Last evaluated: 2023-10-01. Review status: criteria provided, single submitter. Criteria: ACMG Guidelines, 2015. Collection method: clinical testing. Allele origin: unknown.

Juno Genomics, Hangzhou Juno Genomics, Inc
Classification: Likely pathogenic for Wilson disease. Review status: criteria provided, single submitter. Criteria: ACMG Guidelines, 2015. Collection method: clinical testing. Allele origin: germline.
Comment: Absent from controls (or at extremely low frequency if recessive) in Genome Aggregation Database.;Null variant in a gene where loss of function (LOF) is a known mechanism of disease.;For recessive disorders, detected in trans with a pathogenic variant.;Patient's phenotype or family history is highly specific for a disease with a single genetic etiology.

Literature cited by the submitters: PubMed 30655162 (cited by Myriad Genetics, Inc.); PubMed 34381801 (cited by Myriad Genetics, Inc.); PubMed 35220961 (cited by Myriad Genetics, Inc.); PubMed 35470480 (cited by Myriad Genetics, Inc.).

NM_000053.4(ATP7B):c.51+2T>G

Gene: ATP7B (ATPase copper transporting beta; minus strand). Cytogenetic location: 13q14.3.
Variant type: single nucleotide variant.
Coding change: c.51+2T>G on transcript NM_000053.4 (MANE Select); the canonical splice donor site of the intron after coding-DNA position 51, T replaced by G.
Molecular consequence: splice donor variant.
Genome position (GRCh38, 1-based): chr13:52,011,285, A>C on the plus strand (T>G on the coding strand, the complement: ATP7B is on the minus strand). VCF-style: chr13-52011285-A-C. GRCh37 (hg19) VCF-style: chr13-52585421-A-C.
Other names: c.51+2T>G (NM_001406541.1, NM_001406531.1, NM_001406527.1 and 30 more transcripts); c.-79+2T>G (NM_001406543.1, NM_001406539.1); c.-137+2T>G (NM_001406518.1).
Identifiers: ClinVar variation 2679790 (VCV002679790.4), dbSNP rs2547323392, ClinGen allele CA388047536.
Genomic context (GRCh38, chr13:52,011,285, plus strand): 5'-GGGAGGAAAATCCTCCTGGTGGGAGTGAGCACGCTGCGCGGACGCGGGGGAACAAAACTC[A>C]CTTTCCGACTGGCCCCTTCTCTGGCTGTGATCTGTCTCTCCTGCTCAGGCATCGTCCCGC-3'